The following is an entry in ClinVar:

ClinVar aggregate classification (germline): Uncertain significance (1 of 4 stars; one submission).

Conditions:
Hereditary cancer-predisposing syndrome. Also called: Tumor predisposition; Hereditary neoplastic syndrome; Hereditary Cancer Syndrome; Neoplastic Syndromes, Hereditary. Identifiers: Orphanet 140162, MedGen C0027672, MeSH D009386, MONDO:0015356.

Submission:

Ambry Genetics
Classification: Uncertain significance for Hereditary cancer-predisposing syndrome. Last evaluated: 2025-04-13. Review status: criteria provided, single submitter. Criteria: Ambry Variant Classification Scheme 2023. Collection method: clinical testing. Allele origin: germline.
Comment: The p.P67S variant (also known as c.199C>T), located in coding exon 2 of the SUFU gene, results from a C to T substitution at nucleotide position 199. The proline at codon 67 is replaced by serine, an amino acid with similar properties. This amino acid position is conserved. In addition, this alteration is predicted to be deleterious by in silico analysis. Based on the available evidence, the clinical significance of this variant remains unclear.

NM_016169.4(SUFU):c.199C>T (p.Pro67Ser)

Gene: SUFU (SUFU negative regulator of hedgehog signaling; plus strand). Cytogenetic location: 10q24.32.
Variant type: single nucleotide variant.
Coding change: c.199C>T on transcript NM_016169.4 (MANE Select); coding-DNA position 199, C replaced by T.
Protein change: p.Pro67Ser; replaces proline 67 with serine.
Molecular consequence: missense variant.
Genome position (GRCh38, 1-based): chr10:102,509,185, C>T. VCF-style: chr10-102509185-C-T. GRCh37 (hg19) VCF-style: chr10-104268942-C-T.
Other names: c.199C>T, p.Pro67Ser (NM_001178133.2); short protein forms P67S.
Identifiers: ClinVar variation 3963864 (VCV003963864.1).